The following is an entry in ClinVar:

NM_138395.4(MARS2):c.1761G>T (p.Leu587=)

Gene: MARS2 (methionyl-tRNA synthetase 2, mitochondrial; plus strand). Cytogenetic location: 2q33.1.
Variant type: single nucleotide variant.
Coding change: c.1761G>T on transcript NM_138395.4 (MANE Select); coding-DNA position 1761, G replaced by T.
Protein change: p.Leu587=; no amino-acid change (leucine 587 retained).
Molecular consequence: synonymous variant.
Genome position (GRCh38, 1-based): chr2:197,707,166, G>T. VCF-style: chr2-197707166-G-T. GRCh37 (hg19) VCF-style: chr2-198571890-G-T.
Identifiers: ClinVar variation 378111 (VCV000378111.44), dbSNP rs149323484, ClinGen allele CA2044804.

ClinVar aggregate classification (germline): Likely benign. Review status: criteria provided, multiple submitters, no conflicts (2 of 4 stars). 4 submissions from 4 submitters: Likely benign (4). Last evaluated 2026-09-01.

Allele frequency attached by ClinVar (database versions not stated): ESP Exome Variant Server 0.00023; ExAC 0.00034; gnomAD exomes 0.00049 and 0.00077; gnomAD 0.00053; TOPMed 0.00056; 1000 Genomes Project 0.00060; 1000 Genomes Project 30x 0.00062.
gnomAD v4.1: 1,204 of 1,612,630 alleles (0.075%); highest among the groups gnomAD compares: Admixed American, 0.11%; 2 homozygotes.

Submissions (4):

CeGaT Center for Human Genetics Tuebingen
Classification: Likely benign. Last evaluated: 2026-09-01. Review status: criteria provided, single submitter. Criteria: CeGaT Center For Human Genetics Tuebingen Variant Classification Criteria Version 2. Collection method: clinical testing. Allele origin: germline. Affected: yes. Observed: 3 variant alleles.
Comment: MARS2: BP4, BP7

Labcorp Genetics (formerly Invitae), Labcorp
Classification: Likely benign. Last evaluated: 2025-12-10. Review status: criteria provided, single submitter. Criteria: Invitae Variant Classification Sherloc (09022015). Collection method: clinical testing. Allele origin: germline.

Blueprint Genetics
Classification: Likely benign. Last evaluated: 2024-11-04. Review status: criteria provided, single submitter. Criteria: ACMG Guidelines, 2015. Collection method: clinical testing. Allele origin: germline.

GeneDx
Classification: Likely benign. Last evaluated: 2020-10-29. Review status: criteria provided, single submitter. Criteria: GeneDx Variant Classification Process June 2021. Collection method: clinical testing. Allele origin: germline. Affected: yes.